The following is an entry in ClinVar:

ClinVar aggregate classification (germline): Uncertain significance (1 of 4 stars; one submission).

Conditions:
Cardiovascular phenotype. Identifiers: MedGen CN230736.

Submission:

Ambry Genetics
Classification: Uncertain significance for Cardiovascular phenotype. Last evaluated: 2019-06-27. Review status: criteria provided, single submitter. Criteria: Ambry Variant Classification Scheme 2023. Collection method: clinical testing. Allele origin: germline.
Comment: The c.4180_4182delAAC variant (also known as p.N1394del) is located in coding exon 50 of the COL1A1 gene. This variant results from an in-frame AAC deletion at nucleotide positions 4180 to 4182. This results in the in-frame deletion of an asparagine at codon 1394. This amino acid position is highly conserved in available vertebrate species. Since supporting evidence is limited at this time, the clinical significance of this alteration remains unclear.

NM_000088.4(COL1A1):c.4180_4182del (p.Asn1394del)

Gene: COL1A1 (collagen type I alpha 1 chain; minus strand). Cytogenetic location: 17q21.33.
Variant type: Deletion.
Coding change: c.4180_4182del on transcript NM_000088.4 (MANE Select); coding-DNA positions 4180 to 4182, 3 bases deleted (AAC; older notation c.4180_4182delAAC).
Protein change: p.Asn1394del; deletes asparagine 1394.
Molecular consequence: inframe deletion. On other transcripts: inframe indel (1).
Genome position (GRCh38, 1-based): chr17:50,185,844-50,185,846, GTT deleted on the plus strand (AAC on the coding strand, the reverse complement: COL1A1 is on the minus strand); deleting any 3 consecutive bases within chr17:50,185,844-50,185,847 gives the same sequence; the c. name uses the placement nearest the transcript's 3' end. VCF-style (leftmost placement, unchanged base first): chr17-50185843-CGTT-C. GRCh37 (hg19) VCF-style: chr17-48263204-CGTT-C.
Other names: c.4180_4182delAAC (NM_000088.3); short protein forms N1394del.
Identifiers: ClinVar variation 1738497 (VCV001738497.2), dbSNP rs1906460104, ClinGen allele CA984452345.
Genomic context (GRCh38, chr17:50,185,843, plus strand): 5'-AGCCATCGACAGTGACGCTGTAGGTGAAGCGGCTGTTGCCCTCGGCGCGGATCTCGATCT[CGTT>C]GGAGCCCTGGAGGAGCAGGGCCTTCTTGAGGTTGCCAGTCTGCTGGTCCATGTAGGCCAC-3'